The following is an entry in ClinVar:

NM_004304.5(ALK):c.2193C>T (p.Thr731=)

Gene: ALK (ALK receptor tyrosine kinase; minus strand). Cytogenetic location: 2p23.2.
Variant type: single nucleotide variant.
Coding change: c.2193C>T on transcript NM_004304.5 (MANE Select); coding-DNA position 2193, C replaced by T.
Protein change: p.Thr731=; no amino-acid change (threonine 731 retained).
Molecular consequence: synonymous variant.
Genome position (GRCh38, 1-based): chr2:29,251,116, G>A on the plus strand (C>T on the coding strand, the complement: ALK is on the minus strand). VCF-style: chr2-29251116-G-A. GRCh37 (hg19) VCF-style: chr2-29473982-G-A.
Identifiers: ClinVar variation 412919 (VCV000412919.15), dbSNP rs56017149, ClinGen allele CA1594417.

ClinVar aggregate classification (germline): Likely benign. Review status: criteria provided, multiple submitters, no conflicts (2 of 4 stars). 3 submissions from 3 submitters: Likely benign (3). Last evaluated 2026-01-16.

Conditions:
ALK-related disorder. Also called: ALK-related condition.
Hereditary cancer-predisposing syndrome. Also called: Neoplastic Syndromes, Hereditary; Tumor predisposition; Hereditary Cancer Syndrome; Hereditary neoplastic syndrome. Identifiers: Orphanet 140162, MedGen C0027672, MeSH D009386, MONDO:0015356.
Neuroblastoma, susceptibility to, 3. Also called: ALK-Related Neuroblastic Tumor Susceptibility. Identifiers: Orphanet 635, MedGen C2751681, MONDO:0013083, OMIM 613014.

Allele frequency attached by ClinVar (database versions not stated): ExAC 0.00003; gnomAD exomes 0.00003 and 0.00007; TOPMed 0.00003; gnomAD 0.00004; 1000 Genomes Project 30x 0.00016.
gnomAD v4.1: 106 of 1,614,000 alleles (0.0066%); highest among the groups gnomAD compares: Non-Finnish European, 0.0084%; no homozygotes.

Submissions (3):

Labcorp Genetics (formerly Invitae), Labcorp
Classification: Likely benign for Neuroblastoma, susceptibility to, 3. Last evaluated: 2026-01-16. Review status: criteria provided, single submitter. Criteria: Invitae Variant Classification Sherloc (09022015). Collection method: clinical testing. Allele origin: germline.

PreventionGenetics, part of Exact Sciences
Classification: Likely benign for ALK-related condition. Last evaluated: 2025-02-22. Review status: criteria provided, single submitter. Criteria: ACMG Guidelines, 2015. Collection method: clinical testing. Allele origin: germline.
Comment: This variant is classified as likely benign based on ACMG/AMP sequence variant interpretation guidelines (Richards et al. 2015 PMID: 25741868, with internal and published modifications).

Ambry Genetics
Classification: Likely benign for Hereditary cancer-predisposing syndrome. Last evaluated: 2022-04-10. Review status: criteria provided, single submitter. Criteria: Ambry Variant Classification Scheme 2023. Collection method: clinical testing. Allele origin: germline.